The following is an entry in ClinVar:

NM_170784.3(MKKS):c.1006C>G (p.Leu336Val)

Gene: MKKS (MKKS centrosomal shuttling protein; minus strand). Cytogenetic location: 20p12.2.
Variant type: single nucleotide variant.
Coding change: c.1006C>G on transcript NM_170784.3 (MANE Select); coding-DNA position 1006, C replaced by G.
Protein change: p.Leu336Val; replaces leucine 336 with valine.
Molecular consequence: missense variant. On other transcripts: non-coding transcript variant (1).
Genome position (GRCh38, 1-based): chr20:10,408,783, G>C on the plus strand (C>G on the coding strand, the complement: MKKS is on the minus strand). VCF-style: chr20-10408783-G-C. GRCh37 (hg19) VCF-style: chr20-10389431-G-C.
Other names: c.1006C>G, p.Leu336Val (NM_018848.3); short protein forms L336V.
Identifiers: ClinVar variation 1476646 (VCV001476646.7), dbSNP rs759986531, ClinGen allele CA9763576.

ClinVar aggregate classification (germline): Uncertain significance. Review status: criteria provided, multiple submitters, no conflicts (2 of 4 stars). 3 submissions from 3 submitters: Uncertain significance (2). 1 of the submissions does not count toward it. Last evaluated 2024-07-16.

Conditions:
Bardet-Biedl syndrome (BBS). Identifiers: Orphanet 110, MedGen C0752166, MONDO:0015229.
McKusick-Kaufman syndrome (MKKS). Also called: HYDROMETROCOLPOS SYNDROME; HYDROMETROCOLPOS, POSTAXIAL POLYDACTYLY, AND CONGENITAL HEART MALFORMATION. Identifiers: Orphanet 2473, MedGen C0948368, MONDO:0009367, OMIM 236700.
MKKS-related disorder. Also called: MKKS-related condition; MKKS-related disorders.

Allele frequency attached by ClinVar (database versions not stated): TOPMed below 0.00001; gnomAD 0.00001; gnomAD exomes 0.00001; ExAC 0.00002.
gnomAD v4.1: 11 of 1,613,132 alleles (0.00068%); highest among the groups gnomAD compares: East Asian, 0.0022%; no homozygotes.

Submissions (3):

Blueprint Genetics
Classification: Uncertain significance. Last evaluated: 2024-07-16. Review status: criteria provided, single submitter. Criteria: ACMG Guidelines, 2015. Collection method: clinical testing. Allele origin: germline.

Labcorp Genetics (formerly Invitae), Labcorp
Classification: Uncertain significance for McKusick-Kaufman syndrome; Bardet-Biedl syndrome. Last evaluated: 2023-08-10. Review status: criteria provided, single submitter. Criteria: Invitae Variant Classification Sherloc (09022015). Collection method: clinical testing. Allele origin: germline.
Comment: In summary, the available evidence is currently insufficient to determine the role of this variant in disease. Therefore, it has been classified as a Variant of Uncertain Significance. Advanced modeling of protein sequence and biophysical properties (such as structural, functional, and spatial information, amino acid conservation, physicochemical variation, residue mobility, and thermodynamic stability) has been performed at Invitae for this missense variant, however the output from this modeling did not meet the statistical confidence thresholds required to predict the impact of this variant on MKKS protein function. ClinVar contains an entry for this variant (Variation ID: 1476646). This variant has not been reported in the literature in individuals affected with MKKS-related conditions. This variant is present in population databases (rs759986531, gnomAD 0.005%). This sequence change replaces leucine, which is neutral and non-polar, with valine, which is neutral and non-polar, at codon 336 of the MKKS protein (p.Leu336Val).

PreventionGenetics, part of Exact Sciences
Classification: Uncertain significance for MKKS-related condition. Last evaluated: 2024-03-13. Review status: no assertion criteria provided. Collection method: clinical testing. Allele origin: germline. Not counted in ClinVar's aggregate classification.
Comment: The MKKS c.1006C>G variant is predicted to result in the amino acid substitution p.Leu336Val. To our knowledge, this variant has not been reported in the literature. This variant is reported in 0.0050% of alleles in individuals of East Asian descent in gnomAD. At this time, the clinical significance of this variant is uncertain due to the absence of conclusive functional and genetic evidence.